The following is an entry in ClinVar:

ClinVar aggregate classification (germline): Pathogenic (1 of 4 stars; one submission).

Submission:

Athena Diagnostics
Classification: Pathogenic. Last evaluated: 2023-10-19. Review status: criteria provided, single submitter. Criteria: Athena Diagnostics Criteria. Collection method: clinical testing. Allele origin: unknown.
Comment: This variant is likely inserted in tandem within the DMD gene (PMID: 25640679) and, if so, would severely disrupt protein function. Similar duplications of exons 45-47 have been identified in individuals with BMD, DMD, or in individuals where the type of dystrophinopathy was not specified. Similar variants have not been reported in large, multi-ethnic general populations (Genome Aggregation Database (gnomAD), Cambridge, MA (URL)).

Literature cited by the submitters: PubMed 17259292; PubMed 16917894; PubMed 25972034; PubMed 25640679; PubMed 19367636.

Single allele

Gene: DMD (dystrophin; minus strand). Cytogenetic location: Xp21.1.
Variant type: Duplication.
Identifiers: ClinVar variation 3571645 (VCV003571645.1).